The following is an entry in ClinVar:

NM_177438.3(DICER1):c.5647G>C (p.Glu1883Gln)

Gene: DICER1 (dicer 1, ribonuclease III; minus strand). Cytogenetic location: 14q32.13.
Variant type: single nucleotide variant.
Coding change: c.5647G>C on transcript NM_177438.3 (MANE Select); coding-DNA position 5647, G replaced by C.
Protein change: p.Glu1883Gln; replaces glutamic acid 1883 with glutamine.
Molecular consequence: missense variant. On other transcripts: non-coding transcript variant (6).
Genome position (GRCh38, 1-based): chr14:95,090,620, C>G on the plus strand (G>C on the coding strand, the complement: DICER1 is on the minus strand). VCF-style: chr14-95090620-C-G. GRCh37 (hg19) VCF-style: chr14-95556957-C-G.
Other names: c.5484G>C, p.Trp1828Cys (NM_001195573.1); c.5647G>C, p.Glu1883Gln (NM_001271282.3, NM_001291628.2, NM_001395677.1 and 7 more transcripts); c.5365G>C, p.Glu1789Gln (NM_001395686.1); c.5242G>C, p.Glu1748Gln (NM_001395687.1, NM_001395688.1, NM_001395689.1 and 1 more transcripts); c.5080G>C, p.Glu1694Gln (NM_001395691.1); c.3964G>C, p.Glu1322Gln (NM_001395697.1); short protein forms E1694Q, E1883Q, E1789Q, W1828C, E1322Q, E1748Q.
Identifiers: ClinVar variation 3839986 (VCV003839986.1).
Genomic context (GRCh38, chr14:95,090,620, plus strand): 5'-CAGATTTGGCAATCCTGTAACTTCGACCAACACCTTTAAATTTCCCCTTTCCTACTACTT[C>G]CACAGTGACTCTGACCTTCCCGTCGTAAGTTCTCTCAGCCGGGCTGTAAAAAATCCAAAC-3'
Protein context (NP_803187.1, residues 1873-1893): TYDGKVRVTV[Glu1883Gln]VVGKGKFKGV

ClinVar aggregate classification (germline): Uncertain significance (1 of 4 stars; one submission).

Conditions:
Hereditary cancer-predisposing syndrome. Also called: Hereditary neoplastic syndrome; Neoplastic Syndromes, Hereditary; Tumor predisposition; Hereditary Cancer Syndrome. Identifiers: Orphanet 140162, MedGen C0027672, MeSH D009386, MONDO:0015356.

Submission:

Ambry Genetics
Classification: Uncertain significance for Hereditary cancer-predisposing syndrome. Last evaluated: 2024-12-14. Review status: criteria provided, single submitter. Criteria: Ambry Variant Classification Scheme 2023. Collection method: clinical testing. Allele origin: germline.
Comment: The p.E1883Q variant (also known as c.5647G>C), located in coding exon 26 of the DICER1 gene, results from a G to C substitution at nucleotide position 5647. The glutamic acid at codon 1883 is replaced by glutamine, an amino acid with highly similar properties. This amino acid position is conserved. In addition, the in silico prediction for this alteration is inconclusive. Based on the available evidence, the clinical significance of this variant remains unclear.